The following is an entry in ClinVar:

ClinVar aggregate classification (germline): Uncertain significance. Review status: criteria provided, multiple submitters, no conflicts (2 of 4 stars). 2 submissions from 2 submitters: Uncertain significance (2). Last evaluated 2025-02-19.

Conditions:
Inborn genetic diseases. Identifiers: MedGen C0950123, MeSH D030342.

gnomAD v4.1: 16 of 1,607,236 alleles (0.001%); highest among the groups gnomAD compares: African/African-American, 0.0013%; no homozygotes.

Submissions (2):

Ambry Genetics
Classification: Uncertain significance for Inborn genetic diseases. Last evaluated: 2025-02-19. Review status: criteria provided, single submitter. Criteria: Ambry Variant Classification Scheme 2023. Collection method: clinical testing. Allele origin: germline.

GeneDx
Classification: Uncertain significance. Last evaluated: 2024-10-11. Review status: criteria provided, single submitter. Criteria: GeneDx Variant Classification Process June 2021. Collection method: clinical testing. Allele origin: germline. Affected: yes.
Comment: Not observed at significant frequency in large population cohorts (gnomAD); In silico analysis supports that this missense variant has a deleterious effect on protein structure/function; Has not been previously published as pathogenic or benign to our knowledge

NM_213649.2(SFXN4):c.830T>C (p.Phe277Ser)

Gene: SFXN4 (sideroflexin 4; minus strand). Cytogenetic location: 10q26.11.
Variant type: single nucleotide variant.
Coding change: c.830T>C on transcript NM_213649.2 (MANE Select); coding-DNA position 830, T replaced by C.
Protein change: p.Phe277Ser; replaces phenylalanine 277 with serine.
Molecular consequence: missense variant. On other transcripts: non-coding transcript variant (1).
Genome position (GRCh38, 1-based): chr10:119,146,342, A>G on the plus strand (T>C on the coding strand, the complement: SFXN4 is on the minus strand). VCF-style: chr10-119146342-A-G. GRCh37 (hg19) VCF-style: chr10-120905854-A-G.
Other names: short protein forms F277S.
Identifiers: ClinVar variation 3777312 (VCV003777312.2).